The following is an entry in ClinVar:

ClinVar aggregate classification (germline): Uncertain significance. Review status: criteria provided, multiple submitters, no conflicts (2 of 4 stars). 2 submissions from 2 submitters: Uncertain significance (2). Last evaluated 2024-07-01.

Allele frequency attached by ClinVar (database versions not stated): gnomAD exomes below 0.00001 and 0.00001; ExAC 0.00001; gnomAD 0.00001; TOPMed 0.00001.
gnomAD v4.1: 9 of 1,613,254 alleles (0.00056%); highest among the groups gnomAD compares: Non-Finnish European, 0.00059%; no homozygotes.

Submissions (2):

Labcorp Genetics (formerly Invitae), Labcorp
Classification: Uncertain significance. Last evaluated: 2024-07-01. Review status: criteria provided, single submitter. Criteria: Invitae Variant Classification Sherloc (09022015). Collection method: clinical testing. Allele origin: germline.
Comment: This sequence change replaces proline, which is neutral and non-polar, with leucine, which is neutral and non-polar, at codon 737 of the RUSC2 protein (p.Pro737Leu). This variant is present in population databases (rs752370555, gnomAD 0.002%). This variant has not been reported in the literature in individuals affected with RUSC2-related conditions. ClinVar contains an entry for this variant (Variation ID: 1442356). An algorithm developed to predict the effect of missense changes on protein structure and function (PolyPhen-2) suggests that this variant is likely to be tolerated. In summary, the available evidence is currently insufficient to determine the role of this variant in disease. Therefore, it has been classified as a Variant of Uncertain Significance.

Ambry Genetics
Classification: Uncertain significance. Last evaluated: 2021-08-16. Review status: criteria provided, single submitter. Criteria: Ambry Variant Classification Scheme 2023. Collection method: clinical testing. Allele origin: germline.

NM_014806.5(RUSC2):c.2210C>T (p.Pro737Leu)

Gene: RUSC2 (RUN and SH3 domain containing 2; plus strand). Cytogenetic location: 9p13.3.
Variant type: single nucleotide variant.
Coding change: c.2210C>T on transcript NM_014806.5 (MANE Select); coding-DNA position 2210, C replaced by T.
Protein change: p.Pro737Leu; replaces proline 737 with leucine.
Molecular consequence: missense variant. On other transcripts: 5 prime UTR variant (1), non-coding transcript variant (1).
Genome position (GRCh38, 1-based): chr9:35,555,255, C>T. VCF-style: chr9-35555255-C-T. GRCh37 (hg19) VCF-style: chr9-35555252-C-T.
Other names: c.2210C>T, p.Pro737Leu (NM_001135999.2); c.-425C>T (NM_001330740.2); c.2210C>T (NM_001135999.1); short protein forms P737L.
Identifiers: ClinVar variation 1442356 (VCV001442356.7), dbSNP rs752370555, ClinGen allele CA5043827.